The following is an entry in ClinVar:

NM_000026.4(ADSL):c.402+1G>T

Gene: ADSL (adenylosuccinate lyase; plus strand). Cytogenetic location: 22q13.1.
Variant type: single nucleotide variant.
Coding change: c.402+1G>T on transcript NM_000026.4 (MANE Select); the canonical splice donor site of the intron after coding-DNA position 402, G replaced by T.
Molecular consequence: splice donor variant. On other transcripts: intron variant (1).
Genome position (GRCh38, 1-based): chr22:40,353,118, G>T. VCF-style: chr22-40353118-G-T. GRCh37 (hg19) VCF-style: chr22-40749122-G-T.
Other names: c.402+1G>T (NM_001363840.3, NM_001410812.1, NM_001123378.3 and 1 more transcripts); c.358-1130G>T (NM_001410814.1); c.210+1G>T (NM_001317923.2).
Identifiers: ClinVar variation 654306 (VCV000654306.9), dbSNP rs761551284, ClinGen allele CA10247692.

ClinVar aggregate classification (germline): Likely pathogenic. Review status: criteria provided, multiple submitters, no conflicts (2 of 4 stars). 3 submissions from 3 submitters: Likely pathogenic (3). Last evaluated 2025-12-25.

Conditions:
Adenylosuccinate lyase deficiency (ADSLD). Also called: ADSL DEFICIENCY. Identifiers: Orphanet 46, MedGen C0268126, MONDO:0007068, OMIM 103050.

Allele frequency attached by ClinVar (database versions not stated): gnomAD exomes 0.00001 and below 0.00001; ExAC 0.00001.
gnomAD v4.1: 9 of 1,613,232 alleles (0.00056%); highest among the groups gnomAD compares: Non-Finnish European, 0.00076%; no homozygotes.

Submissions (3):

Variantyx, Inc.
Classification: Likely pathogenic for Adenylosuccinate lyase deficiency. Last evaluated: 2025-12-25. Review status: criteria provided, single submitter. Criteria: Variantyx Assertion Criteria 2022. Collection method: clinical testing. Allele origin: germline. Inheritance: Autosomal recessive inheritance. Affected: no.
Comment: This is a canonical splicing variant in the ADSL gene (OMIM: 608222). Pathogenic variants in this gene have been associated with autosomal recessive adenylosuccinase deficiency. This splicing variant is expected to result in loss of function, which is a known disease mechanism for ADSL in this disorder (PMID: 31440721) (PVS1). This variant has a 0.0008% maximum allele frequency in non-founder control populations (PM2), and it has been reported in at least one affected individual; however, the phase of the variant could not be determined (PMID:31440721). Based on the current evidence, this variant is classified as likely pathogenic for autosomal recessive adenylosuccinase deficiency.

Labcorp Genetics (formerly Invitae), Labcorp
Classification: Likely pathogenic for Adenylosuccinate lyase deficiency. Last evaluated: 2023-07-19. Review status: criteria provided, single submitter. Criteria: Invitae Variant Classification Sherloc (09022015). Collection method: clinical testing. Allele origin: germline.
Comment: Algorithms developed to predict the effect of sequence changes on RNA splicing suggest that this variant may disrupt the consensus splice site. ClinVar contains an entry for this variant (Variation ID: 654306). Disruption of this splice site has been observed in individual(s) with ADSL-related conditions (PMID: 31440721). This variant is present in population databases (rs761551284, gnomAD 0.0009%). This sequence change affects a donor splice site in intron 3 of the ADSL gene. It is expected to disrupt RNA splicing. Variants that disrupt the donor or acceptor splice site typically lead to a loss of protein function (PMID: 16199547), and loss-of-function variants in ADSL are known to be pathogenic (PMID: 10888601, 20177786). In summary, the currently available evidence indicates that the variant is pathogenic, but additional data are needed to prove that conclusively. Therefore, this variant has been classified as Likely Pathogenic.

GeneDx
Classification: Likely pathogenic. Last evaluated: 2023-03-24. Review status: criteria provided, single submitter. Criteria: GeneDx Variant Classification Process June 2021. Collection method: clinical testing. Allele origin: germline. Affected: yes.
Comment: Identified in a cohort with childhood epilepsy, but familial segregation information and additional clinical information was not included (Truty et al., 2019); Canonical splice site variant expected to result in aberrant splicing, although in the absence of functional evidence the actual effect of this sequence change is unknown.; Not observed at significant frequency in large population cohorts (gnomAD); This variant is associated with the following publications: (PMID: 31440721)

Literature cited by the submitters: PubMed 31440721 (cited by Variantyx, Inc. and Labcorp Genetics (formerly Invitae), Labcorp); PubMed 16199547 (cited by Labcorp Genetics (formerly Invitae), Labcorp); PubMed 10888601 (cited by Labcorp Genetics (formerly Invitae), Labcorp); PubMed 20177786 (cited by Labcorp Genetics (formerly Invitae), Labcorp).